The following is an entry in ClinVar:

ClinVar aggregate classification (germline): Uncertain significance (1 of 4 stars; one submission).

Conditions:
Norman-Roberts syndrome (LIS2). Also called: Lissencephaly 2 (Norman-Roberts type). Identifiers: Orphanet 89844, MedGen C0796089, MONDO:0009760, OMIM 257320.
Familial temporal lobe epilepsy 7. Identifiers: Orphanet 101046, MedGen C4225327, MONDO:0014639, OMIM 616436.

Submission:

Labcorp Genetics (formerly Invitae), Labcorp
Classification: Uncertain significance for Familial temporal lobe epilepsy 7; Norman-Roberts syndrome. Last evaluated: 2025-08-22. Review status: criteria provided, single submitter. Criteria: Invitae Variant Classification Sherloc (09022015). Collection method: clinical testing. Allele origin: germline.
Comment: This sequence change replaces alanine, which is neutral and non-polar, with glutamic acid, which is acidic and polar, at codon 150 of the RELN protein (p.Ala150Glu). This variant is not present in population databases (gnomAD no frequency). This variant has not been reported in the literature in individuals affected with RELN-related conditions. Invitae Evidence Modeling of protein sequence and biophysical properties (such as structural, functional, and spatial information, amino acid conservation, physicochemical variation, residue mobility, and thermodynamic stability) indicates that this missense variant is not expected to disrupt RELN protein function with a negative predictive value of 80%. In summary, the available evidence is currently insufficient to determine the role of this variant in disease. Therefore, it has been classified as a Variant of Uncertain Significance.

NM_005045.4(RELN):c.449C>A (p.Ala150Glu)

Gene: RELN (reelin; minus strand). Cytogenetic location: 7q22.1.
Variant type: single nucleotide variant.
Coding change: c.449C>A on transcript NM_005045.4 (MANE Select); coding-DNA position 449, C replaced by A.
Protein change: p.Ala150Glu; replaces alanine 150 with glutamic acid.
Molecular consequence: missense variant.
Genome position (GRCh38, 1-based): chr7:103,833,561, G>T on the plus strand (C>A on the coding strand, the complement: RELN is on the minus strand). VCF-style: chr7-103833561-G-T. GRCh37 (hg19) VCF-style: chr7-103474008-G-T.
Other names: c.449C>A, p.Ala150Glu (NM_173054.3); short protein forms A150E.
Identifiers: ClinVar variation 4782469 (VCV004782469.1).